The following is an entry in ClinVar:

NM_000528.4(MAN2B1):c.2867T>G (p.Leu956Arg)

Gene: MAN2B1 (mannosidase alpha class 2B member 1; minus strand). Cytogenetic location: 19p13.13.
Variant type: single nucleotide variant.
Coding change: c.2867T>G on transcript NM_000528.4 (MANE Select); coding-DNA position 2867, T replaced by G.
Protein change: p.Leu956Arg; replaces leucine 956 with arginine.
Molecular consequence: missense variant.
Genome position (GRCh38, 1-based): chr19:12,647,289, A>C on the plus strand (T>G on the coding strand, the complement: MAN2B1 is on the minus strand). VCF-style: chr19-12647289-A-C. GRCh37 (hg19) VCF-style: chr19-12758103-A-C.
Other names: c.2864T>G, p.Leu955Arg (NM_001173498.2); short protein forms L956R, L955R.
Identifiers: ClinVar variation 208280 (VCV000208280.14), dbSNP rs768233248, ClinGen allele CA350887.

ClinVar aggregate classification (germline): Conflicting classifications of pathogenicity. Review status: criteria provided, conflicting classifications (1 of 4 stars). 9 submissions from 9 submitters: Likely pathogenic (6); Uncertain significance (2). 1 of the submissions does not count toward it. Last evaluated 2025-12-10.

Conditions:
MAN2B1-related disorder. Also called: MAN2B1-related condition.
Deficiency of alpha-mannosidase (MANSA). Also called: Alpha-Mannosidosis; Mannosidosis, alpha-, types I and II; LYSOSOMAL ALPHA-D-MANNOSIDASE DEFICIENCY. Identifiers: Orphanet 61, MedGen C0024748, MONDO:0009561, OMIM 248500.

Allele frequency attached by ClinVar (database versions not stated): gnomAD exomes 0.00002; ExAC 0.00005.

Submissions (9):

Natera, Inc.
Classification: Likely pathogenic for Alpha-mannosidosis. Last evaluated: 2025-12-10. Review status: criteria provided, single submitter. Criteria: Natera Variant Classification Schema (03/2026). Collection method: clinical testing. Allele origin: germline.
Comment: The c.2867T>G variant in MAN2B1 is a missense variant predicted to cause substitution of leucine to arginine at amino acid 956. This variant is rare in the general population with a frequency below the threshold expected for the associated phenotype(s). This variant has been observed in one or more individuals affected with the associated recessive disease, as either homozygous or compound heterozygous with a second variant (PMID: 37979187, 33290291, 22161967). Additionally, this variant has been observed to segregate in affected family members (PMID: 33290291). Functional studies show that this variant may disrupt protein function (PMID: 22161967). Computational prediction algorithms indicate this variant is likely to affect gene or protein function. Given the available evidence, this variant is classified as Likely Pathogenic.

Fulgent Genetics
Classification: Likely pathogenic for Deficiency of alpha-mannosidase. Last evaluated: 2024-03-12. Review status: criteria provided, single submitter. Criteria: ACMG Guidelines, 2015. Collection method: clinical testing. Allele origin: germline.

Women's Health and Genetics/Laboratory Corporation of America, LabCorp
Classification: Likely pathogenic for Deficiency of alpha-mannosidase. Last evaluated: 2024-03-08. Review status: criteria provided, single submitter. Criteria: LabCorp Variant Classification Summary - May 2015. Collection method: clinical testing. Allele origin: germline.
Comment: Variant summary: MAN2B1 c.2867T>G (p.Leu956Arg) results in a non-conservative amino acid change in the encoded protein sequence. Five of five in-silico tools predict a damaging effect of the variant on protein function. The variant allele was found at a frequency of 2.4e-05 in 251474 control chromosomes. c.2867T>G has been reported in the literature in multiple individuals affected with Alpha-Mannosidosis (Riise_2012, Sandal_2021). These data indicate that the variant is very likely to be associated with disease. At least one publication reports experimental evidence evaluating an impact on protein function, indicating defective transport and processing (Kuokkanen_2011). The following publications have been ascertained in the context of this evaluation (PMID: 21505070, 22161967, 33290291).ClinVar contains an entry for this variant (Variation ID: 208280). Based on the evidence outlined above, the variant was classified as likely pathogenic.

Baylor Genetics
Classification: Likely pathogenic for Deficiency of alpha-mannosidase. Last evaluated: 2024-01-23. Review status: criteria provided, single submitter. Criteria: ACMG Guidelines, 2015. Collection method: clinical testing. Allele origin: unknown.

Blueprint Genetics
Classification: Likely pathogenic for MAN2B1-related disorders. Last evaluated: 2023-03-20. Review status: criteria provided, single submitter. Criteria: ACMG Guidelines, 2015. Collection method: clinical testing. Allele origin: germline. Affected: yes. Observed: 5 variant alleles.

Labcorp Genetics (formerly Invitae), Labcorp
Classification: Uncertain significance for Deficiency of alpha-mannosidase. Last evaluated: 2022-03-17. Review status: criteria provided, single submitter. Criteria: Invitae Variant Classification Sherloc (09022015). Collection method: clinical testing. Allele origin: germline.
Comment: This sequence change replaces leucine, which is neutral and non-polar, with arginine, which is basic and polar, at codon 956 of the MAN2B1 protein (p.Leu956Arg). This variant is present in population databases (rs768233248, gnomAD 0.02%). This missense change has been observed in individual(s) with alpha-mannosidosis (PMID: 22161967). ClinVar contains an entry for this variant (Variation ID: 208280). Algorithms developed to predict the effect of missense changes on protein structure and function are either unavailable or do not agree on the potential impact of this missense change (SIFT: "Deleterious"; PolyPhen-2: "Probably Damaging"; Align-GVGD: "Class C0"). Experimental studies have shown that this missense change affects MAN2B1 function (PMID: 21505070). In summary, the available evidence is currently insufficient to determine the role of this variant in disease. Therefore, it has been classified as a Variant of Uncertain Significance.

3billion
Classification: Uncertain significance for Deficiency of alpha-mannosidase. Last evaluated: 2022-01-03. Review status: criteria provided, single submitter. Criteria: ACMG Guidelines, 2015. Collection method: clinical testing. Allele origin: germline. Affected: yes. Observed: 1 homozygote.
Comment: Same nucleotide change resulting in same amino acid change has been previously reported to be associated with MAN2B1 related disorder (PMID:22161967, PS1_P). In silico tool predictions suggest damaging effect of the variant on gene or gene product (REVEL: 0.933, PP3_P). It is observed at an extremely low frequency in the gnomAD v2.1.1 dataset (total allele frequency: 0.000024, PM2_M). Therefore, this variant is classified as uncertain significance according to the recommendation of ACMG/AMP guideline.

Revvity Omics, Revvity
Classification: Likely pathogenic for Deficiency of alpha-mannosidase. Last evaluated: 2021-02-01. Review status: criteria provided, single submitter. Criteria: ACMG Guidelines, 2015. Collection method: clinical testing. Allele origin: germline.

ClinVar Staff, National Center for Biotechnology Information (NCBI)
Classification: Uncertain significance for Deficiency of alpha-mannosidase. Last evaluated: 2012-06-07. Review status: no assertion criteria provided. Collection method: literature only. Allele origin: germline. Affected: yes. Not counted in ClinVar's aggregate classification.

Literature cited by the submitters: PubMed 37979187 (cited by Natera, Inc.); PubMed 33290291 (cited by Natera, Inc. and Women's Health and Genetics/Laboratory Corporation of America, LabCorp); PubMed 22161967 (cited by 5 submitters); PubMed 21505070 (cited by Women's Health and Genetics/Laboratory Corporation of America, LabCorp and Labcorp Genetics (formerly Invitae), Labcorp).